The following is an entry in ClinVar:

ClinVar aggregate classification (germline): Conflicting classifications of pathogenicity. Review status: criteria provided, conflicting classifications (1 of 4 stars). 6 submissions from 6 submitters: Uncertain significance (4); Likely benign (1). 1 of the submissions does not count toward it. Last evaluated 2026-01-19.

Conditions:
Cardiovascular phenotype. Identifiers: MedGen CN230736.
Cardiomyopathy (CMYO). Also called: Cardiomyopathies. Identifiers: Orphanet 167848, MedGen C0878544, MONDO:0004994, HP:0001638. Inheritance: Various modes of inheritance.
Becker muscular dystrophy (BMD). Also called: MUSCULAR DYSTROPHY, PSEUDOHYPERTROPHIC PROGRESSIVE, BECKER TYPE; Becker Muscular Dystrophy (BMD). Identifiers: Orphanet 98895, MedGen C0917713, MONDO:0010311, OMIM 300376.
Duchenne muscular dystrophy (DMD). Also called: Duchenne Muscular Dystrophy (DMD); MUSCULAR DYSTROPHY, PSEUDOHYPERTROPHIC PROGRESSIVE, DUCHENNE TYPE. Identifiers: Orphanet 98896, MedGen C0013264, MONDO:0010679, OMIM 310200.
Dystrophin deficiency.
Dilated cardiomyopathy 3B (CMD3B). Also called: CMD3B: DMD-Related Dilated Cardiomyopathy; CARDIOMYOPATHY, DILATED, X-LINKED; DMD-Associated Dilated Cardiomyopathy. Identifiers: Orphanet 154, MedGen C3668940, MONDO:0010542, OMIM 302045.

Allele frequency attached by ClinVar (database versions not stated): gnomAD 0.00005; ExAC 0.00003; gnomAD exomes 0.00003; TOPMed 0.00004.
gnomAD v4.1: 31 of 1,206,939 alleles (0.0026%); highest among the groups gnomAD compares: Middle Eastern, 0.023%; no homozygotes.

Submissions (6):

Labcorp Genetics (formerly Invitae), Labcorp
Classification: Likely benign for Duchenne muscular dystrophy. Last evaluated: 2026-01-19. Review status: criteria provided, single submitter. Criteria: Invitae Variant Classification Sherloc (09022015). Collection method: clinical testing. Allele origin: germline.

Fulgent Genetics
Classification: Uncertain significance for Becker muscular dystrophy; Dilated cardiomyopathy 3B; Duchenne muscular dystrophy. Last evaluated: 2021-10-12. Review status: criteria provided, single submitter. Criteria: ACMG Guidelines, 2015. Collection method: clinical testing. Allele origin: unknown.

Ambry Genetics
Classification: Uncertain significance for Cardiovascular phenotype. Last evaluated: 2021-05-28. Review status: criteria provided, single submitter. Criteria: Ambry Variant Classification Scheme 2023. Collection method: clinical testing. Allele origin: germline.
Comment: The p.R49H variant (also known as c.146G>A), located in coding exon 3 of the DMD gene, results from a G to A substitution at nucleotide position 146. The arginine at codon 49 is replaced by histidine, an amino acid with highly similar properties. Based on data from gnomAD, the A allele has an overall frequency of 0.003% (7/204516) total alleles studied, with 2 hemizygotes observed. The highest observed frequency was 0.016% (3/18900) of African/African-American alleles. This amino acid position is well conserved in available vertebrate species. In addition, the in silico prediction for this alteration is inconclusive. Since supporting evidence is limited at this time, the clinical significance of this alteration remains unclear.

Revvity Omics, Revvity
Classification: Uncertain significance. Last evaluated: 2020-08-21. Review status: criteria provided, single submitter. Criteria: ACMG Guidelines, 2015. Collection method: clinical testing. Allele origin: germline.

Eurofins Ntd Llc (ga)
Classification: Uncertain significance. Last evaluated: 2015-08-11. Review status: criteria provided, single submitter. Criteria: EGL Classification Definitions 2015. Collection method: clinical testing. Allele origin: germline. Observed: 1 variant allele, 1 heterozygote.

Natera, Inc.
Classification: Uncertain significance for Becker muscular dystrophy; Cardiomyopathy; Duchenne muscular dystrophy; Dystrophin deficiency. Last evaluated: 2020-04-21. Review status: no assertion criteria provided. Collection method: clinical testing. Allele origin: germline. Not counted in ClinVar's aggregate classification.

NM_004006.3(DMD):c.146G>A (p.Arg49His)

Gene: DMD (dystrophin; minus strand). Cytogenetic location: Xp21.1.
Variant type: single nucleotide variant.
Coding change: c.146G>A on transcript NM_004006.3 (MANE Select); coding-DNA position 146, G replaced by A.
Protein change: p.Arg49His; replaces arginine 49 with histidine.
Molecular consequence: missense variant. On other transcripts: 5 prime UTR variant (1).
Genome position (GRCh38, 1-based): chrX:32,849,768, C>T on the plus strand (G>A on the coding strand, the complement: DMD is on the minus strand). VCF-style: chrX-32849768-C-T. GRCh37 (hg19) VCF-style: chrX-32867885-C-T.
Other names: c.122G>A, p.Arg41His (NM_000109.4); c.134G>A, p.Arg45His (NM_004009.3); c.-224G>A (NM_004010.3); short protein forms R49H, R45H, R41H.
Identifiers: ClinVar variation 282598 (VCV000282598.17), dbSNP rs765584669, ClinGen allele CA10380249.